The following is an entry in ClinVar:

NM_000824.5(GLRB):c.756C>G (p.Tyr252Ter)

Gene: GLRB (glycine receptor beta; plus strand). Cytogenetic location: 4q32.1.
Variant type: single nucleotide variant.
Coding change: c.756C>G on transcript NM_000824.5 (MANE Select); coding-DNA position 756, C replaced by G.
Protein change: p.Tyr252Ter; replaces tyrosine 252 with a stop codon.
Molecular consequence: nonsense.
Genome position (GRCh38, 1-based): chr4:157,143,811, C>G. VCF-style: chr4-157143811-C-G. GRCh37 (hg19) VCF-style: chr4-158064963-C-G.
Other names: c.756C>G, p.Tyr252Ter (NM_001166060.2, NM_001166061.2); short protein forms Y252*.
Identifiers: ClinVar variation 3638329 (VCV003638329.2).

ClinVar aggregate classification (germline): Pathogenic (1 of 4 stars; one submission).

Conditions:
Hyperekplexia 2 (HKPX2). Identifiers: Orphanet 3197, MedGen C3553291, MONDO:0013828, OMIM 614619.

Submission:

Labcorp Genetics (formerly Invitae), Labcorp
Classification: Pathogenic for Hyperekplexia 2. Last evaluated: 2024-02-02. Review status: criteria provided, single submitter. Criteria: Invitae Variant Classification Sherloc (09022015). Collection method: clinical testing. Allele origin: germline.
Comment: This sequence change creates a premature translational stop signal (p.Tyr252*) in the GLRB gene. It is expected to result in an absent or disrupted protein product. Loss-of-function variants in GLRB are known to be pathogenic (PMID: 23182654, 23184146). This variant is not present in population databases (gnomAD no frequency). This variant has not been reported in the literature in individuals affected with GLRB-related conditions. For these reasons, this variant has been classified as Pathogenic.

Literature cited by the submitters: PubMed 23182654; PubMed 23184146.